The following is an entry in ClinVar:

ClinVar aggregate classification (germline): Uncertain significance (1 of 4 stars; one submission).

Conditions:
Hereditary cancer-predisposing syndrome. Also called: Neoplastic Syndromes, Hereditary; Tumor predisposition; Hereditary Cancer Syndrome; Hereditary neoplastic syndrome. Identifiers: Orphanet 140162, MedGen C0027672, MeSH D009386, MONDO:0015356.

Submission:

Ambry Genetics
Classification: Uncertain significance for Hereditary cancer-predisposing syndrome. Last evaluated: 2026-05-22. Review status: criteria provided, single submitter. Criteria: Ambry Variant Classification Scheme 2023. Collection method: clinical testing. Allele origin: germline.
Comment: The p.N630D variant (also known as c.1888A>G), located in coding exon 9 of the BRCA1 gene, results from an A to G substitution at nucleotide position 1888. The asparagine at codon 630 is replaced by aspartic acid, an amino acid with highly similar properties. This amino acid position is well conserved in available vertebrate species. In addition, the in silico prediction for this alteration is inconclusive. Based on the available evidence, the clinical significance of this variant remains unclear.

NM_007294.4(BRCA1):c.1888A>G (p.Asn630Asp)

Gene: BRCA1 (BRCA1 DNA repair associated; minus strand). Cytogenetic location: 17q21.31.
Variant type: single nucleotide variant.
Coding change: c.1888A>G on transcript NM_007294.4 (MANE Select); coding-DNA position 1888, A replaced by G.
Protein change: p.Asn630Asp; replaces asparagine 630 with aspartic acid.
Molecular consequence: missense variant. On other transcripts: intron variant (137).
Genome position (GRCh38, 1-based): chr17:43,093,643, T>C on the plus strand (A>G on the coding strand, the complement: BRCA1 is on the minus strand). VCF-style: chr17-43093643-T-C. GRCh37 (hg19) VCF-style: chr17-41245660-T-C.
Other names: c.1684A>G, p.Asn562Asp (NM_001407874.1, NM_001407875.1); c.1678A>G, p.Asn560Asp (NM_001407879.1, NM_001407881.1, NM_001407882.1 and 13 more transcripts); c.1675A>G, p.Asn559Asp (NM_001407915.1, NM_001407916.1, NM_001407917.1 and 9 more transcripts); c.1765A>G, p.Asn589Asp (NM_001407919.1, NM_001407937.1, NM_001407938.1 and 19 more transcripts); c.1624A>G, p.Asn542Asp (NM_001407929.1, NM_001407933.1, NM_001407935.1 and 9 more transcripts); c.1621A>G, p.Asn541Asp (NM_001407930.1, NM_001407931.1, NM_001407932.1 and 2 more transcripts); c.1555A>G, p.Asn519Asp (NM_001407948.1, NM_001407949.1, NM_001407950.1 and 6 more transcripts); c.1552A>G, p.Asn518Asp (NM_001407954.1, NM_001407955.1, NM_001407956.1 and 1 more transcripts); and 40 more; short protein forms N334D, N462D, N502D, N503D, N518D, N519D, N541D, N542D.
Identifiers: ClinVar variation 4867736 (VCV004867736.1).